The following is an entry in ClinVar:

NM_000250.2(MPO):c.2072G>A (p.Arg691Gln)

Gene: MPO (myeloperoxidase; minus strand). Cytogenetic location: 17q22.
Variant type: single nucleotide variant.
Coding change: c.2072G>A on transcript NM_000250.2 (MANE Select); coding-DNA position 2072, G replaced by A.
Protein change: p.Arg691Gln; replaces arginine 691 with glutamine.
Molecular consequence: missense variant.
Genome position (GRCh38, 1-based): chr17:58,270,822, C>T on the plus strand (G>A on the coding strand, the complement: MPO is on the minus strand). VCF-style: chr17-58270822-C-T. GRCh37 (hg19) VCF-style: chr17-56348183-C-T.
Other names: short protein forms R691Q.
Identifiers: ClinVar variation 3367017 (VCV003367017.2).

ClinVar aggregate classification (germline): Uncertain significance. Review status: criteria provided, multiple submitters, no conflicts (2 of 4 stars). 2 submissions from 2 submitters: Uncertain significance (2). Last evaluated 2025-05-28.

Conditions:
Alzheimer disease type 1 (AD1). Also called: ALZHEIMER DISEASE, FAMILIAL, 1; ALZHEIMER DISEASE, FAMILIAL, 1, AUTOSOMAL RECESSIVE. Identifiers: MedGen C1863052, MONDO:0007088, OMIM 104300.

gnomAD v4.1: 3 of 1,613,724 alleles (0.00019%); highest among the groups gnomAD compares: Non-Finnish European, 0.00025%; no homozygotes.

Submissions (2):

Women's Health and Genetics/Laboratory Corporation of America, LabCorp
Classification: Uncertain significance. Last evaluated: 2025-05-28. Review status: criteria provided, single submitter. Criteria: LabCorp Variant Classification Summary - May 2015. Collection method: clinical testing. Allele origin: germline.
Comment: Variant summary: MPO c.2072G>A (p.Arg691Gln) results in a conservative amino acid change in the encoded protein sequence. Algorithms developed to predict the effect of missense changes on protein structure and function all suggest that this variant is likely to be tolerated. The variant was absent in 251378 control chromosomes. The available data on variant occurrences in the general population are insufficient to allow any conclusion about variant significance. To our knowledge, no occurrence of c.2072G>A in individuals affected with Myeloperoxidase Deficiency and no experimental evidence demonstrating its impact on protein function have been reported. ClinVar contains an entry for this variant (Variation ID: 3367017). Based on the evidence outlined above, the variant was classified as uncertain significance.

Neuberg Centre For Genomic Medicine, NCGM
Classification: Uncertain significance for Alzheimer disease type 1. Last evaluated: 2023-05-20. Review status: criteria provided, single submitter. Criteria: ACMG Guidelines, 2015. Collection method: clinical testing. Allele origin: germline. Inheritance: Autosomal dominant inheritance. Affected: yes.
Comment: The observed missense c.2072G>A(p.Arg691Gln) variant in MPO gene has not been reported previously as a pathogenic variant nor a benign variant, to our knowledge. The p.Arg691Gln variant is absent in gnomAD Exomes. This variant has not been submitted to the ClinVar database. Multiple lines of computational evidences (Polyphen - Possibly damaging, SIFT - Tolerated and MutationTaster - Polymorphism) predict conflicting evidence on protein structure and function for this variant. The amino acid Arg at position 691 is changed to a Gln changing protein sequence and it might alter its composition and physico-chemical properties. For these reasons, this variant has been classified as a Variant of Uncertain Significance (VUS).